The following is an entry in ClinVar:

NM_005557.4(KRT16):c.837C>T (p.Gly279=)

Gene: KRT16 (keratin 16; minus strand). Cytogenetic location: 17q21.2.
Variant type: single nucleotide variant.
Coding change: c.837C>T on transcript NM_005557.4 (MANE Select); coding-DNA position 837, C replaced by T.
Protein change: p.Gly279=; no amino-acid change (glycine 279 retained).
Molecular consequence: synonymous variant.
Genome position (GRCh38, 1-based): chr17:41,611,165, G>A on the plus strand (C>T on the coding strand, the complement: KRT16 is on the minus strand). VCF-style: chr17-41611165-G-A. GRCh37 (hg19) VCF-style: chr17-39767417-G-A.
Identifiers: ClinVar variation 2160058 (VCV002160058.11), dbSNP rs368580381, ClinGen allele CA8563098.

ClinVar aggregate classification (germline): Likely benign. Review status: criteria provided, multiple submitters, no conflicts (2 of 4 stars). 2 submissions from 2 submitters: Likely benign (2). Last evaluated 2025-09-01.

Allele frequency attached by ClinVar (database versions not stated): ESP Exome Variant Server 0.00008; gnomAD 0.00015.
gnomAD v4.1: 60 of 1,613,822 alleles (0.0037%); highest among the groups gnomAD compares: African/African-American, 0.045%; 1 homozygote.

Submissions (2):

CeGaT Center for Human Genetics Tuebingen
Classification: Likely benign. Last evaluated: 2025-09-01. Review status: criteria provided, single submitter. Criteria: CeGaT Center For Human Genetics Tuebingen Variant Classification Criteria Version 2. Collection method: clinical testing. Allele origin: germline. Affected: yes. Observed: 1 variant allele.
Comment: KRT16: BP4, BP7

Labcorp Genetics (formerly Invitae), Labcorp
Classification: Likely benign. Last evaluated: 2022-07-02. Review status: criteria provided, single submitter. Criteria: Invitae Variant Classification Sherloc (09022015). Collection method: clinical testing. Allele origin: germline.